The following is an entry in ClinVar:

NM_017780.4(CHD7):c.4437G>A (p.Gly1479=)

Gene: CHD7 (chromodomain helicase DNA binding protein 7; plus strand). Cytogenetic location: 8q12.2.
Variant type: single nucleotide variant.
Coding change: c.4437G>A on transcript NM_017780.4 (MANE Select); coding-DNA position 4437, G replaced by A.
Protein change: p.Gly1479=; no amino-acid change (glycine 1479 retained).
Molecular consequence: synonymous variant. On other transcripts: intron variant (1).
Genome position (GRCh38, 1-based): chr8:60,838,159, G>A. VCF-style: chr8-60838159-G-A. GRCh37 (hg19) VCF-style: chr8-61750718-G-A.
Other names: c.1717-24070G>A (NM_001316690.1).
Identifiers: ClinVar variation 95790 (VCV000095790.40), dbSNP rs41265246, ClinGen allele CA223300.

ClinVar aggregate classification (germline): Conflicting classifications of pathogenicity. Review status: criteria provided, conflicting classifications (1 of 4 stars). 8 submissions from 8 submitters: Uncertain significance (1); Benign (2); Likely benign (5). Last evaluated 2026-02-01.

Conditions:
Inborn genetic diseases. Identifiers: MedGen C0950123, MeSH D030342.
CHARGE syndrome (CHARGE). Also called: CHARGE ASSOCIATION--COLOBOMA, HEART ANOMALY, CHOANAL ATRESIA, RETARDATION, GENITAL AND EAR ANOMALIES; Hittner Hirsch Kreh syndrome; Coloboma, heart anomaly, choanal atresia, retardation, genital and ear anomalies; CHARGE association; Hall-Hittner syndrome. Identifiers: Orphanet 138, MedGen C0265354, MONDO:0008965.
Hypogonadotropic hypogonadism 5 with or without anosmia (KAL5). Also called: CHD7-Related GnRH Deficiency (Kallmann Syndrome 5); HYPOGONADOTROPIC HYPOGONADISM 5 WITH ANOSMIA; HYPOGONADOTROPHIC HYPOGONADISM 5 WITHOUT ANOSMIA. Identifiers: Orphanet 478, MedGen C3552553, MONDO:0012880, OMIM 612370. Disease mechanism: loss of function.

Allele frequency attached by ClinVar (database versions not stated): gnomAD 0.00029 and 0.00031; TOPMed 0.00037; ESP Exome Variant Server 0.00050; 1000 Genomes Project 30x 0.00062; ExAC 0.00091; gnomAD exomes 0.00047 and 0.00040; 1000 Genomes Project 0.00040.
gnomAD v4.1: 713 of 1,563,238 alleles (0.046%); highest among the groups gnomAD compares: Non-Finnish European, 0.054%; 2 homozygotes.

Submissions (8):

Labcorp Genetics (formerly Invitae), Labcorp
Classification: Benign for CHARGE syndrome. Last evaluated: 2026-02-01. Review status: criteria provided, single submitter. Criteria: Invitae Variant Classification Sherloc (09022015). Collection method: clinical testing. Allele origin: germline.

CeGaT Center for Human Genetics Tuebingen
Classification: Likely benign. Last evaluated: 2026-01-01. Review status: criteria provided, single submitter. Criteria: CeGaT Center For Human Genetics Tuebingen Variant Classification Criteria Version 2. Collection method: clinical testing. Allele origin: germline. Affected: yes. Observed: 4 variant alleles.
Comment: CHD7: BP4, BP7

Blueprint Genetics
Classification: Likely benign. Last evaluated: 2024-07-02. Review status: criteria provided, single submitter. Criteria: ACMG Guidelines, 2015. Collection method: clinical testing. Allele origin: germline.

GeneDx
Classification: Likely benign. Last evaluated: 2020-09-18. Review status: criteria provided, single submitter. Criteria: GeneDx Variant Classification Process June 2021. Collection method: clinical testing. Allele origin: germline. Affected: yes.
Comment: This variant is associated with the following publications: (PMID: 30733481)

Ambry Genetics
Classification: Likely benign for Inborn genetic diseases. Last evaluated: 2018-01-18. Review status: criteria provided, single submitter. Criteria: Ambry Variant Classification Scheme 2023. Collection method: clinical testing. Allele origin: germline.

Illumina Laboratory Services, Illumina
Classification: Likely benign for Kallmann Syndrome 5. Last evaluated: 2018-01-13. Review status: criteria provided, single submitter. Criteria: ICSL Variant Classification Criteria 13 December 2019. Collection method: clinical testing. Allele origin: germline.
Comment: This variant was observed in the ICSL laboratory as part of a predisposition screen in an ostensibly healthy population. It had not been previously curated by ICSL or reported in the Human Gene Mutation Database (HGMD: prior to June 1st, 2018), and was therefore a candidate for classification through an automated scoring system. Utilizing variant allele frequency, disease prevalence and penetrance estimates, and inheritance mode, an automated score was calculated to assess if this variant is too frequent to cause the disease. Based on the score and internal cut-off values, a variant classified as likely benign is not then subjected to further curation. The score for this variant resulted in a classification of likely benign for this disease.

Eurofins Ntd Llc (ga)
Classification: Uncertain significance. Last evaluated: 2013-03-15. Review status: criteria provided, single submitter. Criteria: EGL Classification Definitions 2015. Collection method: clinical testing. Allele origin: germline. Observed: 1 variant allele, 1 heterozygote.

PreventionGenetics, part of Exact Sciences
Classification: Benign. Review status: criteria provided, single submitter. Criteria: ACMG Guidelines, 2015. Collection method: clinical testing. Allele origin: germline.